The following is an entry in ClinVar:

ClinVar aggregate classification (germline): Benign/Likely benign. Review status: criteria provided, multiple submitters, no conflicts (2 of 4 stars). 7 submissions from 7 submitters: Benign (3); Likely benign (4). Last evaluated 2025-12-24.

Conditions:
Ataxia, early-onset, with oculomotor apraxia and hypoalbuminemia (EAOH). Also called: Ataxia-oculomotor apraxia type 1; ATAXIA-OCULOMOTOR APRAXIA SYNDROME; ATAXIA-TELANGIECTASIA-LIKE SYNDROME. Identifiers: Orphanet 1168, MedGen C1859598, MONDO:0008842, OMIM 208920.

Allele frequency attached by ClinVar (database versions not stated): gnomAD 0.00011 and 0.00029; TOPMed 0.00014; 1000 Genomes Project 30x 0.00031; 1000 Genomes Project 0.00040; gnomAD exomes 0.00049 and 0.00084; ExAC 0.00091.
gnomAD v4.1: 784 of 1,614,184 alleles (0.049%); highest among the groups gnomAD compares: South Asian, 0.65%; 8 homozygotes.

Submissions (8):

Labcorp Genetics (formerly Invitae), Labcorp
Classification: Benign. Last evaluated: 2025-12-24. Review status: criteria provided, single submitter. Criteria: Invitae Variant Classification Sherloc (09022015). Collection method: clinical testing. Allele origin: germline.

CeGaT Center for Human Genetics Tuebingen
Classification: Likely benign. Last evaluated: 2025-10-01. Review status: criteria provided, single submitter. Criteria: CeGaT Center For Human Genetics Tuebingen Variant Classification Criteria Version 2. Collection method: clinical testing. Allele origin: germline. Affected: yes. Observed: 1 variant allele.
Comment: APTX: BP4, BP7

Blueprint Genetics
Classification: Likely benign. Last evaluated: 2024-10-14. Review status: criteria provided, single submitter. Criteria: ACMG Guidelines, 2015. Collection method: clinical testing. Allele origin: germline.

GeneDx
Classification: Likely benign. Last evaluated: 2020-11-10. Review status: criteria provided, single submitter. Criteria: GeneDx Variant Classification Process June 2021. Collection method: clinical testing. Allele origin: germline. Affected: yes.

Illumina Laboratory Services, Illumina
Classification: Likely benign for Ataxia, early-onset, with oculomotor apraxia and hypoalbuminemia. Last evaluated: 2018-01-13. Review status: criteria provided, single submitter. Criteria: ICSL Variant Classification Criteria 13 December 2019. Collection method: clinical testing. Allele origin: germline.
Comment: This variant was observed in the ICSL laboratory as part of a predisposition screen in an ostensibly healthy population. It had not been previously curated by ICSL or reported in the Human Gene Mutation Database (HGMD: prior to June 1st, 2018), and was therefore a candidate for classification through an automated scoring system. Utilizing variant allele frequency, disease prevalence and penetrance estimates, and inheritance mode, an automated score was calculated to assess if this variant is too frequent to cause the disease. Based on the score and internal cut-off values, a variant classified as likely benign is not then subjected to further curation. The score for this variant resulted in a classification of likely benign for this disease.

Athena Diagnostics
Classification: Benign. Last evaluated: 2017-09-06. Review status: criteria provided, single submitter. Criteria: Athena Diagnostics Criteria. Collection method: clinical testing. Allele origin: germline.

Eurofins Ntd Llc (ga)
Classification: Benign. Last evaluated: 2015-06-11. Review status: criteria provided, single submitter. Criteria: EGL Classification Definitions 2015. Collection method: clinical testing. Allele origin: germline. Observed: 1 variant allele, 1 heterozygote.

Dr. Peter K. Rogan Lab, Western University
No classification provided (evidence only). Condition: Nonpapillary renal cell carcinoma. Review status: no classification provided. Collection method: in vitro. Allele origin: not applicable. Functional consequence: retained intron. Not counted in ClinVar's aggregate classification.

NM_001195248.2(APTX):c.762G>A (p.Pro254=)

Gene: APTX (aprataxin; minus strand). Cytogenetic location: 9p21.1.
Variant type: single nucleotide variant.
Coding change: c.762G>A on transcript NM_001195248.2 (MANE Select); coding-DNA position 762, G replaced by A.
Protein change: p.Pro254=; no amino-acid change (proline 254 retained).
Molecular consequence: synonymous variant. On other transcripts: non-coding transcript variant (9).
Genome position (GRCh38, 1-based): chr9:32,984,639, C>T on the plus strand (G>A on the coding strand, the complement: APTX is on the minus strand). VCF-style: chr9-32984639-C-T. GRCh37 (hg19) VCF-style: chr9-32984637-C-T.
Other names: c.762G>A, p.Pro254= (NM_001195249.2, NM_001195251.2, NM_001368995.1 and 6 more transcripts); c.600G>A, p.Pro200= (NM_001195250.2, NM_001195254.2, NM_001369000.1 and 1 more transcripts); c.546G>A, p.Pro182= (NM_001195252.2); c.498G>A, p.Pro166= (NM_001369002.1, NM_001369003.1, NM_001369004.1 and 5 more transcripts).
Identifiers: ClinVar variation 281340 (VCV000281340.29), dbSNP rs571475924, ClinGen allele CA5022332.